The following is an entry in ClinVar:

ClinVar aggregate classification (germline): Uncertain significance (1 of 4 stars; one submission).

Allele frequency attached by ClinVar (database versions not stated): gnomAD exomes 0.00001.
gnomAD v4.1: 10 of 1,191,121 alleles (0.00084%); highest among the groups gnomAD compares: Non-Finnish European, 0.0011%; no homozygotes.

Submission:

CeGaT Center for Human Genetics Tuebingen
Classification: Uncertain significance. Last evaluated: 2024-01-01. Review status: criteria provided, single submitter. Criteria: CeGaT Center For Human Genetics Tuebingen Variant Classification Criteria Version 2. Collection method: clinical testing. Allele origin: germline. Affected: yes. Observed: 1 variant allele.
Comment: AFF2: PM2:Supporting, BP4

NM_002025.4(AFF2):c.3477-4A>G

Gene: AFF2 (ALF transcription elongation factor 2; plus strand). Cytogenetic location: Xq28.
Variant type: single nucleotide variant.
Coding change: c.3477-4A>G on transcript NM_002025.4 (MANE Select); 4 bases into the intron before coding-DNA position 3477, A replaced by G.
Molecular consequence: intron variant.
Genome position (GRCh38, 1-based): chrX:148,978,358, A>G. VCF-style: chrX-148978358-A-G. GRCh37 (hg19) VCF-style: chrX-148059888-A-G.
Other names: c.3372-4A>G (NM_001169124.2, NM_001169122.2); c.3447-4A>G (NM_001169123.2); c.3360-4A>G (NM_001169125.2); c.2400-4A>G (NM_001170628.1).
Identifiers: ClinVar variation 3025948 (VCV003025948.22), dbSNP rs1557290525, ClinGen allele CA645044956.